The following is an entry in ClinVar:

ClinVar aggregate classification (germline): Uncertain significance. Review status: criteria provided, multiple submitters, no conflicts (2 of 4 stars). 2 submissions from 2 submitters: Uncertain significance (2). Last evaluated 2022-08-15.

Conditions:
Spastic paraplegia. Identifiers: MedGen C0037772, HP:0001258.

Allele frequency attached by ClinVar (database versions not stated): TOPMed below 0.00001.

Submissions (2):

Labcorp Genetics (formerly Invitae), Labcorp
Classification: Uncertain significance for Spastic paraplegia. Last evaluated: 2022-08-15. Review status: criteria provided, single submitter. Criteria: Invitae Variant Classification Sherloc (09022015). Collection method: clinical testing. Allele origin: germline.
Comment: This sequence change replaces alanine, which is neutral and non-polar, with glutamic acid, which is acidic and polar, at codon 1030 of the KIF5A protein (p.Ala1030Glu). This variant is not present in population databases (gnomAD no frequency). This variant has not been reported in the literature in individuals affected with KIF5A-related conditions. ClinVar contains an entry for this variant (Variation ID: 1480105). Advanced modeling of protein sequence and biophysical properties (such as structural, functional, and spatial information, amino acid conservation, physicochemical variation, residue mobility, and thermodynamic stability) performed at Invitae indicates that this missense variant is not expected to disrupt KIF5A protein function. In summary, the available evidence is currently insufficient to determine the role of this variant in disease. Therefore, it has been classified as a Variant of Uncertain Significance.

Mayo Clinic Laboratories, Mayo Clinic
Classification: Uncertain significance. Last evaluated: 2022-03-10. Review status: criteria provided, single submitter. Criteria: ACMG Guidelines, 2015. Collection method: clinical testing. Allele origin: germline. Observed: 1 variant allele.
Comment: PM2

NM_004984.4(KIF5A):c.3089C>A (p.Ala1030Glu)

Gene: KIF5A (kinesin family member 5A; plus strand). Cytogenetic location: 12q13.3.
Variant type: single nucleotide variant.
Coding change: c.3089C>A on transcript NM_004984.4 (MANE Select); coding-DNA position 3089, C replaced by A.
Protein change: p.Ala1030Glu; replaces alanine 1030 with glutamic acid.
Molecular consequence: missense variant.
Genome position (GRCh38, 1-based): chr12:57,583,169, C>A. VCF-style: chr12-57583169-C-A. GRCh37 (hg19) VCF-style: chr12-57976952-C-A.
Other names: p.Ala1030Glu; c.2822C>A, p.Ala941Glu (NM_001354705.2); c.3089C>A (NM_004984.2); short protein forms A1030E, A941E.
Identifiers: ClinVar variation 1480105 (VCV001480105.7), dbSNP rs1206507768, ClinGen allele CA385517706.